The following is an entry in ClinVar:

ClinVar aggregate classification (germline): Uncertain significance. Review status: criteria provided, multiple submitters, no conflicts (2 of 4 stars). 4 submissions from 4 submitters: Uncertain significance (3). 1 of the submissions does not count toward it. Last evaluated 2026-02-01.

Conditions:
Dyskeratosis congenita, autosomal recessive 5 (DKCB5). Identifiers: MedGen C3554656, MONDO:0014076, OMIM 615190.
Pulmonary fibrosis and/or bone marrow failure, Telomere-related, 3. Also called: PULMONARY FIBROSIS AND/OR BONE MARROW FAILURE SYNDROME, TELOMERE-RELATED, 3. Identifiers: Orphanet 2032, MedGen C4225346, MONDO:0014613, OMIM 616373.
Dyskeratosis congenita. Identifiers: Orphanet 1775, MedGen C0265965, MONDO:0015780.

Allele frequency attached by ClinVar (database versions not stated): ESP Exome Variant Server 0.00008; gnomAD 0.00008 and 0.00010; TOPMed 0.00022.
gnomAD v4.1: 45 of 1,613,454 alleles (0.0028%); highest among the groups gnomAD compares: Middle Eastern, 0.049%; no homozygotes.

Submissions (4):

Labcorp Genetics (formerly Invitae), Labcorp
Classification: Uncertain significance for Dyskeratosis congenita, autosomal recessive 5; Pulmonary fibrosis and/or bone marrow failure, Telomere-related, 3. Last evaluated: 2026-02-01. Review status: criteria provided, single submitter. Criteria: Invitae Variant Classification Sherloc (09022015). Collection method: clinical testing. Allele origin: germline.
Comment: This sequence change replaces arginine, which is basic and polar, with tryptophan, which is neutral and slightly polar, at codon 84 of the RTEL1 protein (p.Arg84Trp). The frequency data for this variant in the population databases is considered unreliable, as metrics indicate poor data quality at this position in the gnomAD database. This variant has not been reported in the literature in individuals affected with RTEL1-related conditions. ClinVar contains an entry for this variant (Variation ID: 540935). An algorithm developed to predict the effect of missense changes on protein structure and function (PolyPhen-2) suggests that this variant is likely to be disruptive. In summary, the available evidence is currently insufficient to determine the role of this variant in disease. Therefore, it has been classified as a Variant of Uncertain Significance.

Blueprint Genetics
Classification: Uncertain significance. Last evaluated: 2024-11-11. Review status: criteria provided, single submitter. Criteria: ACMG Guidelines, 2015. Collection method: clinical testing. Allele origin: germline.

Revvity Omics, Revvity
Classification: Uncertain significance. Last evaluated: 2019-07-01. Review status: criteria provided, single submitter. Criteria: ACMG Guidelines, 2015. Collection method: clinical testing. Allele origin: germline.

Natera, Inc.
Classification: Uncertain significance for Dyskeratosis congenita. Last evaluated: 2019-11-11. Review status: no assertion criteria provided. Collection method: clinical testing. Allele origin: germline. Not counted in ClinVar's aggregate classification.

NM_001283009.2(RTEL1):c.250C>T (p.Arg84Trp)

Genes: RTEL1 (regulator of telomere elongation helicase 1; plus strand), RTEL1-TNFRSF6B (RTEL1-TNFRSF6B readthrough (NMD candidate); plus strand). Cytogenetic location: 20q13.33.
Variant type: single nucleotide variant.
Coding change: c.250C>T on transcript NM_001283009.2 (MANE Select); coding-DNA position 250, C replaced by T.
Protein change: p.Arg84Trp; replaces arginine 84 with tryptophan.
Molecular consequence: missense variant. On other transcripts: non-coding transcript variant (1), 5 prime UTR variant (1).
Genome position (GRCh38, 1-based): chr20:63,661,445, C>T. VCF-style: chr20-63661445-C-T. GRCh37 (hg19) VCF-style: chr20-62292798-C-T.
Other names: c.-420C>T (NM_001283010.1); c.250C>T, p.Arg84Trp (NM_016434.4, NM_032957.5); short protein forms R84W.
Identifiers: ClinVar variation 540935 (VCV000540935.14), dbSNP rs373874416, ClinGen allele CA9964154.